The following is an entry in ClinVar:

NM_000070.3(CAPN3):c.2201del (p.Tyr734fs)

Gene: CAPN3 (calpain 3; plus strand). Cytogenetic location: 15q15.1.
Variant type: Deletion.
Coding change: c.2201del on transcript NM_000070.3 (MANE Select); coding-DNA position 2201, one base deleted (A; older notation c.2201delA).
Protein change: p.Tyr734fs; shifts the reading frame from tyrosine 734.
Molecular consequence: frameshift variant.
Genome position (GRCh38, 1-based): chr15:42,410,604, A deleted. VCF-style (leftmost placement, unchanged base first): chr15-42410603-TA-T. GRCh37 (hg19) VCF-style: chr15-42702801-TA-T.
Other names: c.2183del, p.Tyr728fs (NM_024344.2); c.1925del, p.Tyr642fs (NM_173087.2); c.665del, p.Tyr222fs (NM_173088.2); c.206del, p.Tyr69fs (NM_173089.2, NM_173090.2); short protein forms Y69fs, Y728fs, Y222fs, Y642fs, Y734fs.
Identifiers: ClinVar variation 1428600 (VCV001428600.7), dbSNP rs2141224217, ClinGen allele CA2573150713.

ClinVar aggregate classification (germline): Pathogenic/Likely pathogenic. Review status: criteria provided, multiple submitters, no conflicts (2 of 4 stars). 2 submissions from 2 submitters: Pathogenic (1); Likely pathogenic (1). Last evaluated 2023-10-03.

Conditions:
Muscular dystrophy, limb-girdle, autosomal dominant 4. Also called: Calpain-3-related limb-girdle muscular dystrophy D4; MUSCULAR DYSTROPHY, LIMB-GIRDLE, TYPE 1I. Identifiers: Orphanet 565909, MedGen C4748295, MONDO:0029133, OMIM 618129.
Autosomal recessive limb-girdle muscular dystrophy type 2A (LGMDR1). Also called: LEYDEN-MOEBIUS MUSCULAR DYSTROPHY; Limb-girdle muscular dystrophy, type 2A; Calpainopathy; Muscular dystrophy, limb-girdle, type 2A, Amish; MUSCULAR DYSTROPHY, PELVOFEMORAL. Identifiers: Orphanet 267, MedGen C1869123, MONDO:0009675, OMIM 253600. Disease mechanism: loss of function.

Allele frequency attached by ClinVar (database versions not stated): gnomAD exomes below 0.00001.

Submissions (2):

Baylor Genetics
Classification: Likely pathogenic for Muscular dystrophy, limb-girdle, autosomal dominant 4. Last evaluated: 2023-10-03. Review status: criteria provided, single submitter. Criteria: ACMG Guidelines, 2015. Collection method: clinical testing. Allele origin: unknown.

Labcorp Genetics (formerly Invitae), Labcorp
Classification: Pathogenic for Autosomal recessive limb-girdle muscular dystrophy type 2A. Last evaluated: 2021-02-06. Review status: criteria provided, single submitter. Criteria: Invitae Variant Classification Sherloc (09022015). Collection method: clinical testing. Allele origin: germline.
Comment: This sequence change creates a premature translational stop signal (p.Tyr734Leufs*42) in the CAPN3 gene. It is expected to result in an absent or disrupted protein product. Loss-of-function variants in CAPN3 are known to be pathogenic (PMID: 10330340, 15689361). This variant is not present in population databases (ExAC no frequency). This variant has not been reported in the literature in individuals with CAPN3-related conditions. For these reasons, this variant has been classified as Pathogenic.

Literature cited by the submitters: PubMed 10330340 (cited by Labcorp Genetics (formerly Invitae), Labcorp); PubMed 15689361 (cited by Labcorp Genetics (formerly Invitae), Labcorp).